The following is an entry in ClinVar:

NM_000038.6(APC):c.6293A>G (p.Asn2098Ser)

Gene: APC (APC regulator of Wnt signaling pathway; plus strand). Cytogenetic location: 5q22.2.
Variant type: single nucleotide variant.
Coding change: c.6293A>G on transcript NM_000038.6 (MANE Select); coding-DNA position 6293, A replaced by G.
Protein change: p.Asn2098Ser; replaces asparagine 2098 with serine.
Molecular consequence: missense variant.
Genome position (GRCh38, 1-based): chr5:112,841,887, A>G. VCF-style: chr5-112841887-A-G. GRCh37 (hg19) VCF-style: chr5-112177584-A-G.
Other names: c.6293A>G (NM_000038.5); c.6293A>G, p.Asn2098Ser (NM_001127510.3, NM_001354895.2); c.6239A>G, p.Asn2080Ser (NM_001127511.3); c.6347A>G, p.Asn2116Ser (NM_001354896.2); c.6323A>G, p.Asn2108Ser (NM_001354897.2); c.6218A>G, p.Asn2073Ser (NM_001354898.2); c.6209A>G, p.Asn2070Ser (NM_001354899.2); c.6170A>G, p.Asn2057Ser (NM_001354900.2); and 6 more; short protein forms N1815S, N1938S, N1972S, N1997S, N2007S, N2039S, N2057S, N2070S.
Identifiers: ClinVar variation 1015587 (VCV001015587.12), dbSNP rs1766183030, ClinGen allele CA16035109.

ClinVar aggregate classification (germline): Uncertain significance. Review status: criteria provided, multiple submitters, no conflicts (2 of 4 stars). 3 submissions from 3 submitters: Uncertain significance (3). Last evaluated 2025-08-27.

Conditions:
Familial adenomatous polyposis 1 (FAP1). Also called: FAMILIAL ADENOMATOUS POLYPOSIS 1, ATTENUATED; POLYPOSIS, ADENOMATOUS INTESTINAL. Identifiers: MedGen C2713442, MONDO:0021056, OMIM 175100. Disease mechanism: loss of function.
Colorectal cancer. Also called: Colorectal cancer, somatic; Malignant Colorectal Neoplasm. Identifiers: MedGen C0346629, MONDO:0005575, OMIM 114500.
Gastric adenocarcinoma and proximal polyposis of the stomach (GAPPS). Also called: Polyposis, gastric, Dos Santos and de Magalhaes 1980; POLYPOSIS, GASTRIC; Gastric Adenocarcinoma and Proximal Polyposis of the Stomach (GAPPS). Identifiers: Orphanet 314022, MedGen C4749917, MONDO:0017790, OMIM 619182.
Desmoid disease, hereditary (DESMD). Also called: FIBROMATOSIS, FAMILIAL INFILTRATIVE. Identifiers: Orphanet 873, MedGen C1851124, OMIM 135290. Disease mechanism: loss of function.
Hepatocellular carcinoma (HCC). Also called: Primary carcinoma of liver; HEPATOMA; LIVER CELL CARCINOMA. Identifiers: Orphanet 88673, MedGen C2239176, MONDO:0007256, OMIM 114550, HP:0001402.
Gastric cancer. Also called: Stomach cancer; Malignant tumor of stomach. Identifiers: MedGen C0024623, MeSH D013274, MONDO:0001056, OMIM 613659, HP:0012126.
Hereditary cancer-predisposing syndrome. Also called: Neoplastic Syndromes, Hereditary; Hereditary Cancer Syndrome; Hereditary neoplastic syndrome; Tumor predisposition. Identifiers: Orphanet 140162, MedGen C0027672, MeSH D009386, MONDO:0015356.

Submissions (3):

Ambry Genetics
Classification: Uncertain significance for Hereditary cancer-predisposing syndrome. Last evaluated: 2025-08-27. Review status: criteria provided, single submitter. Criteria: Ambry Variant Classification Scheme 2023. Collection method: clinical testing. Allele origin: germline.

Fulgent Genetics
Classification: Uncertain significance for Colorectal cancer; Hepatocellular carcinoma; Desmoid disease, hereditary; Familial adenomatous polyposis 1; Gastric cancer; Gastric adenocarcinoma and proximal polyposis of the stomach. Last evaluated: 2024-03-21. Review status: criteria provided, single submitter. Criteria: ACMG Guidelines, 2015. Collection method: clinical testing. Allele origin: germline.

Labcorp Genetics (formerly Invitae), Labcorp
Classification: Uncertain significance for Familial adenomatous polyposis 1. Last evaluated: 2020-03-22. Review status: criteria provided, single submitter. Criteria: Invitae Variant Classification Sherloc (09022015). Collection method: clinical testing. Allele origin: germline.
Comment: Algorithms developed to predict the effect of missense changes on protein structure and function output the following: SIFT: "Tolerated"; PolyPhen-2: "Benign"; Align-GVGD: "Class C0". The serine amino acid residue is found in multiple mammalian species, suggesting that this missense change does not adversely affect protein function. These predictions have not been confirmed by published functional studies and their clinical significance is uncertain. In summary, the available evidence is currently insufficient to determine the role of this variant in disease. Therefore, it has been classified as a Variant of Uncertain Significance. This variant is not present in population databases (ExAC no frequency). This variant has not been reported in the literature in individuals with APC-related conditions. This sequence change replaces asparagine with serine at codon 2098 of the APC protein (p.Asn2098Ser). The asparagine residue is highly conserved and there is a small physicochemical difference between asparagine and serine.